The following is an entry in ClinVar:

NM_013254.4(TBK1):c.72dup (p.Arg25fs)

Gene: TBK1 (TANK binding kinase 1; plus strand). Cytogenetic location: 12q14.2.
Variant type: Duplication.
Coding change: c.72dup on transcript NM_013254.4 (MANE Select); coding-DNA position 72, one base duplicated (T; older notation c.72dupT).
Protein change: p.Arg25fs; shifts the reading frame from arginine 25.
Molecular consequence: frameshift variant.
Genome position (GRCh38, 1-based): chr12:64,455,942, T duplicated; the last of 3 consecutive T bases (chr12:64,455,940-64,455,942); duplicating any one gives the same sequence. VCF-style (leftmost placement, unchanged base first): chr12-64455939-C-CT. GRCh37 (hg19) VCF-style: chr12-64849719-C-CT.
Other names: short protein forms R25fs.
Identifiers: ClinVar variation 1383659 (VCV001383659.6), dbSNP rs1279619378, ClinGen allele CA690964774.
Genomic context (GRCh38, chr12:64,455,939, plus strand): 5'-CACTTCTAATCATCTGTGGCTTTTATCTGATATTTTAGGCCAAGGAGCTACTGCAAATGT[C>CT]TTTCGTGGAAGACATAAGGTTAGTACAGAGAAAACTTTGAAGACCTTTTATCACTGTATG-3'

ClinVar aggregate classification (germline): Pathogenic (1 of 4 stars; one submission).

Conditions:
Frontotemporal dementia and/or amyotrophic lateral sclerosis 4. Also called: FTDALS4. Identifiers: Orphanet 275872, MedGen C4225325, MONDO:0014641, OMIM 616439.

Submission:

Labcorp Genetics (formerly Invitae), Labcorp
Classification: Pathogenic for Frontotemporal dementia and/or amyotrophic lateral sclerosis 4. Last evaluated: 2022-08-31. Review status: criteria provided, single submitter. Criteria: Invitae Variant Classification Sherloc (09022015). Collection method: clinical testing. Allele origin: germline.
Comment: For these reasons, this variant has been classified as Pathogenic. ClinVar contains an entry for this variant (Variation ID: 1383659). This variant has not been reported in the literature in individuals affected with TBK1-related conditions. This variant is not present in population databases (gnomAD no frequency). This sequence change creates a premature translational stop signal (p.Arg25Serfs*5) in the TBK1 gene. It is expected to result in an absent or disrupted protein product. Loss-of-function variants in TBK1 are known to be pathogenic (PMID: 25803835, 26476236, 26581300).

Literature cited by the submitters: PubMed 25803835; PubMed 26476236; PubMed 26581300.